The following is an entry in ClinVar:

NM_000548.5(TSC2):c.4990-8C>T

Gene: TSC2 (TSC complex subunit 2; plus strand). Cytogenetic location: 16p13.3.
Variant type: single nucleotide variant.
Coding change: c.4990-8C>T on transcript NM_000548.5 (MANE Select); 8 bases into the intron before coding-DNA position 4990, C replaced by T.
Molecular consequence: intron variant.
Genome position (GRCh38, 1-based): chr16:2,087,855, C>T. VCF-style: chr16-2087855-C-T. GRCh37 (hg19) VCF-style: chr16-2137856-C-T.
Other names: c.4921-8C>T (NM_001114382.3); c.4861-8C>T (NM_021055.3, NM_001370405.1); c.4792-8C>T (NM_001363528.2); c.4858-8C>T (NM_001370404.1); c.4789-8C>T (NM_001077183.3); c.4681-8C>T (NM_001318827.2); c.4258-8C>T (NM_001318831.2); c.4645-8C>T (NM_001318829.2); and 1 more.
Identifiers: ClinVar variation 1669492 (VCV001669492.9), dbSNP rs766834252, ClinGen allele CA053430.

ClinVar aggregate classification (germline): Likely benign. Review status: criteria provided, multiple submitters, no conflicts (2 of 4 stars). 2 submissions from 2 submitters: Likely benign (2). Last evaluated 2025-06-05.

Conditions:
Tuberous sclerosis 2 (TSC2). Identifiers: Orphanet 805, MedGen C1860707, MONDO:0013199, OMIM 613254.

Allele frequency attached by ClinVar (database versions not stated): gnomAD exomes below 0.00001 and 0.00001; ExAC 0.00001.
gnomAD v4.1: 19 of 1,612,434 alleles (0.0012%); highest among the groups gnomAD compares: Non-Finnish European, 0.0015%; no homozygotes.

Submissions (2):

Myriad Genetics, Inc.
Classification: Likely benign for Tuberous sclerosis 2. Last evaluated: 2025-06-05. Review status: criteria provided, single submitter. Criteria: Myriad Autosomal Dominant, Autosomal Recessive and X-Linked Classification Criteria (2023). Collection method: clinical testing. Allele origin: unknown.
Comment: This variant is considered likely benign. This variant is intronic and is not expected to impact mRNA splicing.

Labcorp Genetics (formerly Invitae), Labcorp
Classification: Likely benign for Tuberous sclerosis 2. Last evaluated: 2025-03-27. Review status: criteria provided, single submitter. Criteria: Invitae Variant Classification Sherloc (09022015). Collection method: clinical testing. Allele origin: germline.